The following is an entry in ClinVar:

ClinVar aggregate classification (germline): Uncertain significance. Review status: criteria provided, multiple submitters, no conflicts (2 of 4 stars). 3 submissions from 3 submitters: Uncertain significance (3). Last evaluated 2025-03-24.

Conditions:
Hereditary nonpolyposis colorectal neoplasms. Identifiers: MedGen C0009405, MeSH D003123.
Hereditary cancer-predisposing syndrome. Also called: Hereditary Cancer Syndrome; Hereditary neoplastic syndrome; Neoplastic Syndromes, Hereditary; Tumor predisposition. Identifiers: Orphanet 140162, MedGen C0027672, MeSH D009386, MONDO:0015356.

Submissions (3):

Color Diagnostics, LLC DBA Color Health
Classification: Uncertain significance for Hereditary cancer-predisposing syndrome. Last evaluated: 2025-03-24. Review status: criteria provided, single submitter. Criteria: ACMG Guidelines, 2015. Collection method: clinical testing. Allele origin: germline.
Comment: This missense variant replaces isoleucine with phenylalanine at codon 608 of the MSH6 protein. Computational prediction suggests that this variant may not impact protein structure and function (internally defined REVEL score threshold <= 0.5, PMID: 27666373). To our knowledge, functional studies have not been reported for this variant. This variant has not been reported in individuals affected with hereditary cancer in the literature. This variant has not been identified in the general population by the Genome Aggregation Database (gnomAD). The available evidence is insufficient to determine the role of this variant in disease conclusively. Therefore, this variant is classified as a Variant of Uncertain Significance.

Labcorp Genetics (formerly Invitae), Labcorp
Classification: Uncertain significance for Hereditary nonpolyposis colorectal neoplasms. Last evaluated: 2024-07-30. Review status: criteria provided, single submitter. Criteria: Invitae Variant Classification Sherloc (09022015). Collection method: clinical testing. Allele origin: germline.
Comment: This sequence change replaces isoleucine, which is neutral and non-polar, with phenylalanine, which is neutral and non-polar, at codon 608 of the MSH6 protein (p.Ile608Phe). This variant is not present in population databases (gnomAD no frequency). This variant has not been reported in the literature in individuals affected with MSH6-related conditions. ClinVar contains an entry for this variant (Variation ID: 455155). Advanced modeling of protein sequence and biophysical properties (such as structural, functional, and spatial information, amino acid conservation, physicochemical variation, residue mobility, and thermodynamic stability) performed at Invitae indicates that this missense variant is not expected to disrupt MSH6 protein function with a negative predictive value of 95%. In summary, the available evidence is currently insufficient to determine the role of this variant in disease. Therefore, it has been classified as a Variant of Uncertain Significance.

Ambry Genetics
Classification: Uncertain significance for Hereditary cancer-predisposing syndrome. Last evaluated: 2023-05-15. Review status: criteria provided, single submitter. Criteria: Ambry Variant Classification Scheme 2023. Collection method: clinical testing. Allele origin: germline.
Comment: The p.I608F variant (also known as c.1822A>T), located in coding exon 4 of the MSH6 gene, results from an A to T substitution at nucleotide position 1822. The isoleucine at codon 608 is replaced by phenylalanine, an amino acid with highly similar properties. This amino acid position is not well conserved in available vertebrate species. In addition, the in silico prediction for this alteration is inconclusive. Since supporting evidence is limited at this time, the clinical significance of this alteration remains unclear.

NM_000179.3(MSH6):c.1822A>T (p.Ile608Phe)

Gene: MSH6 (mutS homolog 6; plus strand). Cytogenetic location: 2p16.3.
Variant type: single nucleotide variant.
Coding change: c.1822A>T on transcript NM_000179.3 (MANE Select); coding-DNA position 1822, A replaced by T.
Protein change: p.Ile608Phe; replaces isoleucine 608 with phenylalanine.
Molecular consequence: missense variant.
Genome position (GRCh38, 1-based): chr2:47,799,805, A>T. VCF-style: chr2-47799805-A-T. GRCh37 (hg19) VCF-style: chr2-48026944-A-T.
Other names: c.1432A>T, p.Ile478Phe (NM_001281492.2); c.916A>T, p.Ile306Phe (NM_001281493.2, NM_001281494.2); short protein forms I608F, I306F, I478F.
Identifiers: ClinVar variation 455155 (VCV000455155.13), dbSNP rs201613780, ClinGen allele CA346749462.